The following is an entry in ClinVar:

ClinVar aggregate classification (germline): Likely benign. Review status: criteria provided, multiple submitters, no conflicts (2 of 4 stars). 2 submissions from 2 submitters: Likely benign (2). Last evaluated 2025-10-22.

Conditions:
Dilated cardiomyopathy 1G (CMD1G). Identifiers: Orphanet 154, MedGen C1858763, MONDO:0011400, OMIM 604145.
Autosomal recessive limb-girdle muscular dystrophy type 2J (LGMDR10). Also called: Limb-girdle muscular dystrophy, type 2J; MUSCULAR DYSTROPHY, LIMB-GIRDLE, AUTOSOMAL RECESSIVE 10. Identifiers: Orphanet 140922, MedGen C1837342, MONDO:0012127, OMIM 608807.

Allele frequency attached by ClinVar (database versions not stated): ExAC 0.00001; gnomAD exomes 0.00001; gnomAD 0.00003; TOPMed 0.00004; ESP Exome Variant Server 0.00008; 1000 Genomes Project 30x 0.00016; 1000 Genomes Project 0.00020.
gnomAD v4.1: 14 of 1,613,790 alleles (0.00087%); highest among the groups gnomAD compares: African/African-American, 0.0013%; no homozygotes.

Submissions (2):

Labcorp Genetics (formerly Invitae), Labcorp
Classification: Likely benign for Dilated cardiomyopathy 1G; Autosomal recessive limb-girdle muscular dystrophy type 2J. Last evaluated: 2025-10-22. Review status: criteria provided, single submitter. Criteria: Invitae Variant Classification Sherloc (09022015). Collection method: clinical testing. Allele origin: germline.

Athena Diagnostics
Classification: Likely benign. Last evaluated: 2025-02-11. Review status: criteria provided, single submitter. Criteria: Athena Diagnostics Criteria. Collection method: clinical testing. Allele origin: unknown.
Comment: Computational tools yielded predictions that this variant is unlikely to have an effect on normal RNA splicing. This nucleotide position exhibits low evolutionary conservation.

NM_001267550.2(TTN):c.98799C>T (p.Tyr32933=)

Genes: TTN-AS1 (TTN antisense RNA 1; plus strand), TTN (titin; minus strand). Cytogenetic location: 2q31.2.
Variant type: single nucleotide variant.
Coding change: c.98799C>T on transcript NM_001267550.2 (MANE Select); coding-DNA position 98799, C replaced by T.
Protein change: p.Tyr32933=; no amino-acid change (tyrosine 32933 retained).
Molecular consequence: synonymous variant. On other transcripts: non-coding transcript variant (1).
Genome position (GRCh38, 1-based): chr2:178,539,136, G>A on the plus strand (C>T on the coding strand, the complement: TTN is on the minus strand). VCF-style: chr2-178539136-G-A. GRCh37 (hg19) VCF-style: chr2-179403863-G-A.
Other names: c.93876C>T, p.Tyr31292= (NM_001256850.1); c.71604C>T, p.Tyr23868= (NM_003319.4); c.91095C>T, p.Tyr30365= (NM_133378.4); c.71979C>T, p.Tyr23993= (NM_133432.3); c.72180C>T, p.Tyr24060= (NM_133437.4).
Identifiers: ClinVar variation 2925733 (VCV002925733.4), dbSNP rs372777049, ClinGen allele CA1986306.